The following is an entry in ClinVar:

NM_182548.4(LHFPL5):c.248C>T (p.Pro83Leu)

Gene: LHFPL5 (LHFPL tetraspan subfamily member 5; plus strand). Cytogenetic location: 6p21.31.
Variant type: single nucleotide variant.
Coding change: c.248C>T on transcript NM_182548.4 (MANE Select); coding-DNA position 248, C replaced by T.
Protein change: p.Pro83Leu; replaces proline 83 with leucine.
Molecular consequence: missense variant.
Genome position (GRCh38, 1-based): chr6:35,805,918, C>T. VCF-style: chr6-35805918-C-T. GRCh37 (hg19) VCF-style: chr6-35773695-C-T.
Other names: short protein forms P83L.
Identifiers: ClinVar variation 1711626 (VCV001711626.30), dbSNP rs2534422603, ClinGen allele CA363784578.

ClinVar aggregate classification (germline): Uncertain significance (1 of 4 stars; one submission).

gnomAD v4.1: 3 of 1,614,252 alleles (0.00019%); highest among the groups gnomAD compares: Non-Finnish European, 0.00025%; no homozygotes.

Submission:

CeGaT Center for Human Genetics Tuebingen
Classification: Uncertain significance. Last evaluated: 2022-08-01. Review status: criteria provided, single submitter. Criteria: CeGaT Center For Human Genetics Tuebingen Variant Classification Criteria Version 2. Collection method: clinical testing. Allele origin: germline. Affected: yes. Observed: 1 variant allele.
Comment: LHFPL5: PM2